The following is an entry in ClinVar:

ClinVar aggregate classification (germline): Uncertain significance (1 of 4 stars; one submission).

Conditions:
Inborn genetic diseases. Identifiers: MedGen C0950123, MeSH D030342.

gnomAD v4.1: 3 of 1,606,872 alleles (0.00019%); highest among the groups gnomAD compares: Non-Finnish European, 0.00025%; no homozygotes.

Submission:

Ambry Genetics
Classification: Uncertain significance for Inborn genetic diseases. Last evaluated: 2026-03-17. Review status: criteria provided, single submitter. Criteria: Ambry Variant Classification Scheme 2023. Collection method: clinical testing. Allele origin: germline.
Comment: The p.E1178Q variant (also known as c.3532G>C), located in coding exon 36 of the FANCA gene, results from a G to C substitution at nucleotide position 3532. The glutamic acid at codon 1178 is replaced by glutamine, an amino acid with highly similar properties. This amino acid position is conserved. In addition, the in silico prediction for this alteration is inconclusive. Based on the available evidence, the clinical significance of this variant remains unclear.

NM_000135.4(FANCA):c.3532G>C (p.Glu1178Gln)

Gene: FANCA (FA complementation group A; minus strand). Cytogenetic location: 16q24.3.
Variant type: single nucleotide variant.
Coding change: c.3532G>C on transcript NM_000135.4 (MANE Select); coding-DNA position 3532, G replaced by C.
Protein change: p.Glu1178Gln; replaces glutamic acid 1178 with glutamine.
Molecular consequence: missense variant.
Genome position (GRCh38, 1-based): chr16:89,745,053, C>G on the plus strand (G>C on the coding strand, the complement: FANCA is on the minus strand). VCF-style: chr16-89745053-C-G. GRCh37 (hg19) VCF-style: chr16-89811461-C-G.
Other names: c.3532G>C, p.Glu1178Gln (NM_001286167.3); short protein forms E1178Q.
Identifiers: ClinVar variation 4870790 (VCV004870790.1).